The following is an entry in ClinVar:

NM_001999.4(FBN2):c.4712G>C (p.Cys1571Ser)

Gene: FBN2 (fibrillin 2; minus strand). Cytogenetic location: 5q23.3.
Variant type: single nucleotide variant.
Coding change: c.4712G>C on transcript NM_001999.4 (MANE Select); coding-DNA position 4712, G replaced by C.
Protein change: p.Cys1571Ser; replaces cysteine 1571 with serine.
Molecular consequence: missense variant.
Genome position (GRCh38, 1-based): chr5:128,318,154, C>G on the plus strand (G>C on the coding strand, the complement: FBN2 is on the minus strand). VCF-style: chr5-128318154-C-G. GRCh37 (hg19) VCF-style: chr5-127653846-C-G.
Other names: short protein forms C1571S.
Identifiers: ClinVar variation 930334 (VCV000930334.3), dbSNP rs1750262781, ClinGen allele CA360749233.

ClinVar aggregate classification (germline): Uncertain significance (1 of 4 stars; one submission).

Conditions:
Macular degeneration, early-onset (EOMD). Identifiers: MedGen C4015286, MONDO:0014501, OMIM 616118.

Submission:

Centre for Mendelian Genomics, University Medical Centre Ljubljana
Classification: Uncertain significance for Macular degeneration, early-onset. Last evaluated: 2016-01-01. Review status: criteria provided, single submitter. Criteria: ACMG Guidelines, 2015. Collection method: clinical testing. Allele origin: unknown. Affected: yes.
Comment: This variant was classified as: Uncertain significance. The following ACMG criteria were applied in classifying this variant: PM2,PP3,PP4.